The following is an entry in ClinVar:

NM_001253852.3(AP4B1):c.1901C>G (p.Thr634Ser)

Genes: AP4B1-AS1 (AP4B1 antisense RNA 1; plus strand), AP4B1 (adaptor related protein complex 4 subunit beta 1; minus strand). Cytogenetic location: 1p13.2.
Variant type: single nucleotide variant.
Coding change: c.1901C>G on transcript NM_001253852.3 (MANE Select); coding-DNA position 1901, C replaced by G.
Protein change: p.Thr634Ser; replaces threonine 634 with serine.
Molecular consequence: missense variant.
Genome position (GRCh38, 1-based): chr1:113,895,384, G>C on the plus strand (C>G on the coding strand, the complement: AP4B1 is on the minus strand). VCF-style: chr1-113895384-G-C. GRCh37 (hg19) VCF-style: chr1-114438006-G-C.
Other names: c.1604C>G, p.Thr535Ser (NM_001253853.3); c.1397C>G, p.Thr466Ser (NM_001308312.2); c.1901C>G, p.Thr634Ser (NM_006594.5); short protein forms T634S, T535S, T466S.
Identifiers: ClinVar variation 2116482 (VCV002116482.4), dbSNP rs530459127, ClinGen allele CA341707043.
Genomic context (GRCh38, chr1:113,895,384, plus strand): 5'-GGATGGAATTCTCCCCGCCAAGGCAACACTTGCTGATGAGCAACTTTAAGGCTAAGCCAA[G>C]TTTTCTCAAAATAATCAGCAGTAAGCTGGCGATTGGGGACTAGCATGAGGGCTCCAGAAT-3'
Protein context (NP_001240781.1, residues 624-644): RQLTADYFEK[Thr634Ser]WLSLKVAHQQ

ClinVar aggregate classification (germline): Uncertain significance (1 of 4 stars; one submission).

Conditions:
Hereditary spastic paraplegia 47. Also called: adaptor protein 4 (AP-4) deficiency syndrome; Spastic paraplegia 47, autosomal recessive; CEREBRAL PALSY, SPASTIC QUADRIPLEGIC, 5. Identifiers: Orphanet 280763, MedGen C3279738, MONDO:0013551, OMIM 614066.

Submission:

Labcorp Genetics (formerly Invitae), Labcorp
Classification: Uncertain significance for Hereditary spastic paraplegia 47. Last evaluated: 2022-04-20. Review status: criteria provided, single submitter. Criteria: Invitae Variant Classification Sherloc (09022015). Collection method: clinical testing. Allele origin: germline.
Comment: In summary, the available evidence is currently insufficient to determine the role of this variant in disease. Therefore, it has been classified as a Variant of Uncertain Significance. Algorithms developed to predict the effect of missense changes on protein structure and function (SIFT, PolyPhen-2, Align-GVGD) all suggest that this variant is likely to be tolerated. This variant has not been reported in the literature in individuals affected with AP4B1-related conditions. This variant is not present in population databases (gnomAD no frequency). This sequence change replaces threonine, which is neutral and polar, with serine, which is neutral and polar, at codon 634 of the AP4B1 protein (p.Thr634Ser).